The following is an entry in ClinVar:

ClinVar aggregate classification (germline): Uncertain significance (1 of 4 stars; one submission).

Allele frequency attached by ClinVar (database versions not stated): ExAC 0.00001; gnomAD exomes 0.00001; TOPMed 0.00003.
gnomAD v4.1: 34 of 1,607,048 alleles (0.0021%); highest among the groups gnomAD compares: Non-Finnish European, 0.0025%; no homozygotes.

Submission:

Labcorp Genetics (formerly Invitae), Labcorp
Classification: Uncertain significance. Last evaluated: 2025-12-01. Review status: criteria provided, single submitter. Criteria: Invitae Variant Classification Sherloc (09022015). Collection method: clinical testing. Allele origin: germline.
Comment: This sequence change replaces arginine, which is basic and polar, with cysteine, which is neutral and slightly polar, at codon 701 of the TNFAIP3 protein (p.Arg701Cys). This variant is present in population databases (rs772293188, gnomAD 0.003%). This variant has not been reported in the literature in individuals affected with TNFAIP3-related conditions. ClinVar contains an entry for this variant (Variation ID: 1379452). An algorithm developed to predict the effect of missense changes on protein structure and function outputs the following: PolyPhen-2: "Benign". The cysteine amino acid residue is found in multiple mammalian species, which suggests that this missense change does not adversely affect protein function. In summary, the available evidence is currently insufficient to determine the role of this variant in disease. Therefore, it has been classified as a Variant of Uncertain Significance.

NM_001270508.2(TNFAIP3):c.2101C>T (p.Arg701Cys)

Gene: TNFAIP3 (TNF alpha induced protein 3; plus strand). Cytogenetic location: 6q23.3.
Variant type: single nucleotide variant.
Coding change: c.2101C>T on transcript NM_001270508.2 (MANE Select); coding-DNA position 2101, C replaced by T.
Protein change: p.Arg701Cys; replaces arginine 701 with cysteine.
Molecular consequence: missense variant.
Genome position (GRCh38, 1-based): chr6:137,881,047, C>T. VCF-style: chr6-137881047-C-T. GRCh37 (hg19) VCF-style: chr6-138202184-C-T.
Other names: c.2101C>T, p.Arg701Cys (NM_001270507.2, NM_006290.4); short protein forms R701C.
Identifiers: ClinVar variation 1379452 (VCV001379452.6), dbSNP rs772293188, ClinGen allele CA4019800.